The following is an entry in ClinVar:

NM_015662.3(IFT172):c.1668G>A (p.Glu556=)

Gene: IFT172 (intraflagellar transport 172; minus strand). Cytogenetic location: 2p23.3.
Variant type: single nucleotide variant.
Coding change: c.1668G>A on transcript NM_015662.3 (MANE Select); coding-DNA position 1668, G replaced by A.
Protein change: p.Glu556=; no amino-acid change (glutamic acid 556 retained).
Molecular consequence: synonymous variant.
Genome position (GRCh38, 1-based): chr2:27,470,952, C>T on the plus strand (G>A on the coding strand, the complement: IFT172 is on the minus strand). VCF-style: chr2-27470952-C-T. GRCh37 (hg19) VCF-style: chr2-27693819-C-T.
Other names: c.1602G>A, p.Glu534= (NM_001410739.1); c.1668G>A (NM_015662.2).
Identifiers: ClinVar variation 3763195 (VCV003763195.3).

ClinVar aggregate classification (germline): Likely benign. Review status: criteria provided, multiple submitters, no conflicts (2 of 4 stars). 2 submissions from 2 submitters: Likely benign (2). Last evaluated 2025-04-25.

Conditions:
IFT172-related disorder. Also called: IFT172-related condition; IFT172-related disorders.
Short-rib thoracic dysplasia 10 with or without polydactyly (SRTD10). Identifiers: Orphanet 474, MedGen C3810175, MONDO:0014284, OMIM 615630.
Retinitis pigmentosa 71 (RP71). Identifiers: Orphanet 791, MedGen C4225342, MONDO:0014618, OMIM 616394.

gnomAD v4.1: 1 of 1,608,864 alleles (0.000062%); highest among the groups gnomAD compares: Admixed American, 0.0017%; no homozygotes.

Submissions (2):

PreventionGenetics, part of Exact Sciences
Classification: Likely benign for IFT172-related condition. Last evaluated: 2025-04-25. Review status: criteria provided, single submitter. Criteria: ACMG Guidelines, 2015. Collection method: clinical testing. Allele origin: germline.
Comment: This variant is classified as likely benign based on ACMG/AMP sequence variant interpretation guidelines (Richards et al. 2015 PMID: 25741868, with internal and published modifications).

Labcorp Genetics (formerly Invitae), Labcorp
Classification: Likely benign for Retinitis pigmentosa 71; Short-rib thoracic dysplasia 10 with or without polydactyly. Last evaluated: 2024-08-11. Review status: criteria provided, single submitter. Criteria: Invitae Variant Classification Sherloc (09022015). Collection method: clinical testing. Allele origin: germline.